The following is an entry in ClinVar:

NM_173660.5(DOK7):c.773-168T>G

Gene: DOK7 (docking protein 7; plus strand). Cytogenetic location: 4p16.3.
Variant type: single nucleotide variant.
Coding change: c.773-168T>G on transcript NM_173660.5 (MANE Select); 168 bases into the intron before coding-DNA position 773, T replaced by G.
Molecular consequence: intron variant.
Genome position (GRCh38, 1-based): chr4:3,492,591, T>G. VCF-style: chr4-3492591-T-G. GRCh37 (hg19) VCF-style: chr4-3494318-T-G.
Other names: c.773-168T>G (NM_001301071.2); c.341-168T>G (NM_001363811.2); c.762-168T>G (NM_001164673.2); c.-158-168T>G (NM_001256896.2).
Identifiers: ClinVar variation 681773 (VCV000681773.1), dbSNP rs28735586, ClinGen allele CA11823788.

ClinVar aggregate classification (germline): Benign (1 of 4 stars; one submission).

Allele frequency attached by ClinVar (database versions not stated): 1000 Genomes Project 30x 0.09385; TOPMed 0.13808; 1000 Genomes Project 0.09006; gnomAD 0.12810.
gnomAD v4.1: 20,304 of 150,978 alleles (13%); highest among the groups gnomAD compares: African/African-American, 16%; 1,472 homozygotes.

Submission:

GeneDx
Classification: Benign. Last evaluated: 2018-06-19. Review status: criteria provided, single submitter. Criteria: GeneDx Variant Classification (06012015). Collection method: clinical testing. Allele origin: germline. Affected: yes.
Comment: This variant is considered likely benign or benign based on one or more of the following criteria: it is a conservative change, it occurs at a poorly conserved position in the protein, it is predicted to be benign by multiple in silico algorithms, and/or has population frequency not consistent with disease.